The following is an entry in ClinVar:

ClinVar aggregate classification (germline): Likely benign (0 of 4 stars; one submission).

Conditions:
INO80-related disorder. Also called: INO80-related condition.

Allele frequency attached by ClinVar (database versions not stated): gnomAD exomes 0.00008; 1000 Genomes Project 0.00020; ExAC 0.00029; 1000 Genomes Project 30x 0.00031; ESP Exome Variant Server 0.00038; TOPMed 0.00044; gnomAD 0.00050.
gnomAD v4.1: 190 of 1,614,054 alleles (0.012%); highest among the groups gnomAD compares: East Asian, 0.17%; no homozygotes.

Submission:

PreventionGenetics, part of Exact Sciences
Classification: Likely benign for INO80-related condition. Last evaluated: 2024-08-14. Review status: no assertion criteria provided. Collection method: clinical testing. Allele origin: germline.
Comment: This variant is classified as likely benign based on ACMG/AMP sequence variant interpretation guidelines (Richards et al. 2015 PMID: 25741868, with internal and published modifications).

NM_017553.3(INO80):c.3995C>T (p.Ser1332Leu)

Gene: INO80 (INO80 complex ATPase subunit; minus strand). Cytogenetic location: 15q15.1.
Variant type: single nucleotide variant.
Coding change: c.3995C>T on transcript NM_017553.3 (MANE Select); coding-DNA position 3995, C replaced by T.
Protein change: p.Ser1332Leu; replaces serine 1332 with leucine.
Molecular consequence: missense variant. On other transcripts: non-coding transcript variant (1).
Genome position (GRCh38, 1-based): chr15:40,984,279, G>A on the plus strand (C>T on the coding strand, the complement: INO80 is on the minus strand). VCF-style: chr15-40984279-G-A. GRCh37 (hg19) VCF-style: chr15-41276477-G-A.
Other names: short protein forms S1332L.
Identifiers: ClinVar variation 3036030 (VCV003036030.2), dbSNP rs142469845, ClinGen allele CA7488570.